The following is an entry in ClinVar:

ClinVar aggregate classification (germline): Pathogenic (1 of 4 stars; one submission).

Submission:

Labcorp Genetics (formerly Invitae), Labcorp
Classification: Pathogenic. Last evaluated: 2023-07-26. Review status: criteria provided, single submitter. Criteria: Invitae Variant Classification Sherloc (09022015). Collection method: clinical testing. Allele origin: germline.
Comment: This sequence change creates a premature translational stop signal (p.Thr1661Argfs*14) in the SI gene. It is expected to result in an absent or disrupted protein product. Loss-of-function variants in SI are known to be pathogenic (PMID: 16329100, 23103650, 25452324). For these reasons, this variant has been classified as Pathogenic. This variant has not been reported in the literature in individuals affected with SI-related conditions. This variant is present in population databases (rs756088593, gnomAD 0.003%).

Literature cited by the submitters: PubMed 16329100; PubMed 23103650; PubMed 25452324.

NM_001041.4(SI):c.4980_4981del (p.Thr1661fs)

Gene: SI (sucrase-isomaltase; minus strand). Cytogenetic location: 3q26.1.
Variant type: Deletion.
Coding change: c.4980_4981del on transcript NM_001041.4 (MANE Select); coding-DNA positions 4980 to 4981, 2 bases deleted (TA; older notation c.4980_4981delTA).
Protein change: p.Thr1661fs; shifts the reading frame from threonine 1661.
Molecular consequence: frameshift variant.
Genome position (GRCh38, 1-based): chr3:164,992,179-164,992,180, TA deleted on the plus strand (TA on the coding strand, the reverse complement: SI is on the minus strand); deleting any 2 consecutive bases within chr3:164,992,179-164,992,181 gives the same sequence; the c. name uses the placement nearest the transcript's 3' end. VCF-style (leftmost placement, unchanged base first): chr3-164992178-GTA-G. GRCh37 (hg19) VCF-style: chr3-164709966-GTA-G.
Other names: short protein forms T1661fs.
Identifiers: ClinVar variation 2983971 (VCV002983971.3), dbSNP rs756088593, ClinGen allele CA2689714.